The following is an entry in ClinVar:

NM_001367721.1(CASK):c.2224C>A (p.Leu742Ile)

Gene: CASK (calcium/calmodulin dependent serine protein kinase; minus strand). Cytogenetic location: Xp11.4.
Variant type: single nucleotide variant.
Coding change: c.2224C>A on transcript NM_001367721.1 (MANE Select); coding-DNA position 2224, C replaced by A.
Protein change: p.Leu742Ile; replaces leucine 742 with isoleucine.
Molecular consequence: missense variant.
Genome position (GRCh38, 1-based): chrX:41,534,905, G>T on the plus strand (C>A on the coding strand, the complement: CASK is on the minus strand). VCF-style: chrX-41534905-G-T. GRCh37 (hg19) VCF-style: chrX-41394158-G-T.
Other names: c.2140C>A, p.Leu714Ile (NM_001126054.3); c.2137C>A, p.Leu713Ile (NM_001126055.3); c.2206C>A, p.Leu736Ile (NM_001410745.1); c.2209C>A, p.Leu737Ile (NM_003688.4); short protein forms L713I, L742I, L714I, L737I, L736I.
Identifiers: ClinVar variation 1512582 (VCV001512582.8), dbSNP rs2147096193, ClinGen allele CA412991762.

ClinVar aggregate classification (germline): Uncertain significance (1 of 4 stars; one submission).

Conditions:
Intellectual disability, CASK-related, X-linked. Identifiers: MedGen CN043158.

Submission:

Labcorp Genetics (formerly Invitae), Labcorp
Classification: Uncertain significance for Intellectual disability, CASK-related, X-linked. Last evaluated: 2021-02-05. Review status: criteria provided, single submitter. Criteria: Invitae Variant Classification Sherloc (09022015). Collection method: clinical testing. Allele origin: germline.
Comment: In summary, the available evidence is currently insufficient to determine the role of this variant in disease. Therefore, it has been classified as a Variant of Uncertain Significance. Algorithms developed to predict the effect of missense changes on protein structure and function are either unavailable or do not agree on the potential impact of this missense change (SIFT: "Deleterious"; PolyPhen-2: "Possibly Damaging"; Align-GVGD: "Class C0"). This variant has not been reported in the literature in individuals with CASK-related conditions. This variant is not present in population databases (ExAC no frequency). This sequence change replaces leucine with isoleucine at codon 737 of the CASK protein (p.Leu737Ile). The leucine residue is highly conserved and there is a small physicochemical difference between leucine and isoleucine.